The following is an entry in ClinVar:

NM_020884.7(MYH7B):c.3695G>A (p.Arg1232His)

Gene: MYH7B (myosin heavy chain 7B; plus strand). Cytogenetic location: 20q11.22.
Variant type: single nucleotide variant.
Coding change: c.3695G>A on transcript NM_020884.7 (MANE Select); coding-DNA position 3695, G replaced by A.
Protein change: p.Arg1232His; replaces arginine 1232 with histidine.
Molecular consequence: missense variant.
Genome position (GRCh38, 1-based): chr20:34,997,588, G>A. VCF-style: chr20-34997588-G-A. GRCh37 (hg19) VCF-style: chr20-33585391-G-A.
Other names: short protein forms R1232H.
Identifiers: ClinVar variation 2969951 (VCV002969951.3), dbSNP rs375322250, ClinGen allele CA408711907.

ClinVar aggregate classification (germline): Uncertain significance (1 of 4 stars; one submission).

gnomAD v4.1: 4 of 1,613,436 alleles (0.00025%); highest among the groups gnomAD compares: Non-Finnish European, 0.00034%; no homozygotes.

Submission:

Labcorp Genetics (formerly Invitae), Labcorp
Classification: Uncertain significance. Last evaluated: 2023-02-16. Review status: criteria provided, single submitter. Criteria: Invitae Variant Classification Sherloc (09022015). Collection method: clinical testing. Allele origin: germline.
Comment: This sequence change replaces arginine, which is basic and polar, with histidine, which is basic and polar, at codon 1274 of the MYH7B protein (p.Arg1274His). This variant is not present in population databases (gnomAD no frequency). This variant has not been reported in the literature in individuals affected with MYH7B-related conditions. Advanced modeling of protein sequence and biophysical properties (such as structural, functional, and spatial information, amino acid conservation, physicochemical variation, residue mobility, and thermodynamic stability) performed at Invitae indicates that this missense variant is not expected to disrupt MYH7B protein function. In summary, the available evidence is currently insufficient to determine the role of this variant in disease. Therefore, it has been classified as a Variant of Uncertain Significance.